The following is an entry in ClinVar:

NM_020822.3(KCNT1):c.2226G>T (p.Glu742Asp)

Gene: KCNT1 (potassium sodium-activated channel subfamily T member 1; plus strand). Cytogenetic location: 9q34.3.
Variant type: single nucleotide variant.
Coding change: c.2226G>T on transcript NM_020822.3 (MANE Select); coding-DNA position 2226, G replaced by T.
Protein change: p.Glu742Asp; replaces glutamic acid 742 with aspartic acid.
Molecular consequence: missense variant.
Genome position (GRCh38, 1-based): chr9:135,772,932, G>T. VCF-style: chr9-135772932-G-T. GRCh37 (hg19) VCF-style: chr9-138664778-G-T.
Other names: c.2091G>T, p.Glu697Asp (NM_001272003.2); short protein forms E742D, E697D.
Identifiers: ClinVar variation 4783332 (VCV004783332.1).

ClinVar aggregate classification (germline): Uncertain significance (1 of 4 stars; one submission).

Conditions:
Autosomal dominant nocturnal frontal lobe epilepsy 5. Also called: CILIARY DYSKINESIA, PRIMARY, 28, WITHOUT SITUS INVERSUS; CILIARY DYSKINESIA, PRIMARY, 28, WITH SITUS INVERSUS; KCNT1-Related Epilepsy; Epilepsy, nocturnal frontal lobe, 5. Identifiers: Orphanet 98784, MedGen C3554306, MONDO:0014002, OMIM 615005.
Developmental and epileptic encephalopathy, 14 (DEE14). Also called: Early infantile epileptic encephalopathy 14. Identifiers: Orphanet 293181, MedGen C3554195, MONDO:0013989, OMIM 614959.

Submission:

Labcorp Genetics (formerly Invitae), Labcorp
Classification: Uncertain significance for Autosomal dominant nocturnal frontal lobe epilepsy 5; Developmental and epileptic encephalopathy, 14. Last evaluated: 2025-04-08. Review status: criteria provided, single submitter. Criteria: Invitae Variant Classification Sherloc (09022015). Collection method: clinical testing. Allele origin: germline.
Comment: This sequence change replaces glutamic acid, which is acidic and polar, with aspartic acid, which is acidic and polar, at codon 742 of the KCNT1 protein (p.Glu742Asp). This variant is not present in population databases (gnomAD no frequency). This variant has not been reported in the literature in individuals affected with KCNT1-related conditions. Invitae Evidence Modeling of protein sequence and biophysical properties (such as structural, functional, and spatial information, amino acid conservation, physicochemical variation, residue mobility, and thermodynamic stability) indicates that this missense variant is not expected to disrupt KCNT1 protein function with a negative predictive value of 80%. In summary, the available evidence is currently insufficient to determine the role of this variant in disease. Therefore, it has been classified as a Variant of Uncertain Significance.